The following is an entry in ClinVar:

NM_020533.3(MCOLN1):c.589C>T (p.Pro197Ser)

Gene: MCOLN1 (mucolipin TRP cation channel 1; plus strand). Cytogenetic location: 19p13.2.
Variant type: single nucleotide variant.
Coding change: c.589C>T on transcript NM_020533.3 (MANE Select); coding-DNA position 589, C replaced by T.
Protein change: p.Pro197Ser; replaces proline 197 with serine.
Molecular consequence: missense variant.
Genome position (GRCh38, 1-based): chr19:7,527,537, C>T. VCF-style: chr19-7527537-C-T. GRCh37 (hg19) VCF-style: chr19-7592423-C-T.
Other names: short protein forms P197S.
Identifiers: ClinVar variation 652904 (VCV000652904.53), dbSNP rs145706318, ClinGen allele CA9138793.
Genomic context (GRCh38, chr19:7,527,537, plus strand): 5'-CTCCCCGGCCCCCTGAGGCCCTTCCCTGACTCCCTGTCCTTAGACTGCATCCAGGTGGAT[C>T]CCCCCGAGCGGCCCCCTCCGCCCCCCAGCGACGATCTCACCCTCTTGGAAAGCAGCTCCA-3'
Protein context (NP_065394.1, residues 187-207): MVVTDCIQVD[Pro197Ser]PERPPPPPSD

ClinVar aggregate classification (germline): Uncertain significance. Review status: criteria provided, multiple submitters, no conflicts (2 of 4 stars). 5 submissions from 5 submitters: Uncertain significance (4). 1 of the submissions does not count toward it. Last evaluated 2025-01-14.

Conditions:
Mucolipidosis type IV (ML4). Also called: ML IV. Identifiers: Orphanet 578, MedGen C0238286, MONDO:0009653, OMIM 252650.
Inborn genetic diseases. Identifiers: MedGen C0950123, MeSH D030342.

Allele frequency attached by ClinVar (database versions not stated): ExAC 0.00022; gnomAD exomes 0.00027; gnomAD 0.00038 and 0.00039; TOPMed 0.00039; ESP Exome Variant Server 0.00069.
gnomAD v4.1: 883 of 1,535,560 alleles (0.058%); highest among the groups gnomAD compares: Non-Finnish European, 0.073%; 2 homozygotes.

Submissions (5):

Labcorp Genetics (formerly Invitae), Labcorp
Classification: Uncertain significance for Mucolipidosis type IV. Last evaluated: 2025-01-14. Review status: criteria provided, single submitter. Criteria: Invitae Variant Classification Sherloc (09022015). Collection method: clinical testing. Allele origin: germline.
Comment: This sequence change replaces proline, which is neutral and non-polar, with serine, which is neutral and polar, at codon 197 of the MCOLN1 protein (p.Pro197Ser). This variant is present in population databases (rs145706318, gnomAD 0.05%). This variant has not been reported in the literature in individuals affected with MCOLN1-related conditions. ClinVar contains an entry for this variant (Variation ID: 652904). Invitae Evidence Modeling of protein sequence and biophysical properties (such as structural, functional, and spatial information, amino acid conservation, physicochemical variation, residue mobility, and thermodynamic stability) has been performed for this missense variant. However, the output from this modeling did not meet the statistical confidence thresholds required to predict the impact of this variant on MCOLN1 protein function. In summary, the available evidence is currently insufficient to determine the role of this variant in disease. Therefore, it has been classified as a Variant of Uncertain Significance.

Ambry Genetics
Classification: Uncertain significance for Inborn genetic diseases. Last evaluated: 2020-12-29. Review status: criteria provided, single submitter. Criteria: Ambry Variant Classification Scheme 2023. Collection method: clinical testing. Allele origin: germline.
Comment: The c.589C>T (p.P197S) alteration is located in exon 5 (coding exon 5) of the MCOLN1 gene. This alteration results from a C to T substitution at nucleotide position 589, causing the proline (P) at amino acid position 197 to be replaced by a serine (S). The in silico prediction for the p.P197S alteration is inconclusive. Based on insufficient or conflicting evidence, the clinical significance of this alteration remains unclear.

CeGaT Center for Human Genetics Tuebingen
Classification: Uncertain significance. Last evaluated: 2019-08-01. Review status: criteria provided, single submitter. Criteria: CeGaT Center For Human Genetics Tuebingen Variant Classification Criteria Version 2. Collection method: clinical testing. Allele origin: germline. Affected: yes. Observed: 1 variant allele.

Illumina Laboratory Services, Illumina
Classification: Uncertain significance for Mucolipidosis type IV. Last evaluated: 2018-01-12. Review status: criteria provided, single submitter. Criteria: ICSL Variant Classification Criteria 13 December 2019. Collection method: clinical testing. Allele origin: germline.

Natera, Inc.
Classification: Uncertain significance for Mucolipidosis type IV. Last evaluated: 2018-04-23. Review status: no assertion criteria provided. Collection method: clinical testing. Allele origin: germline. Not counted in ClinVar's aggregate classification.